The following is an entry in ClinVar:

NM_025179.4(PLXNA2):c.3735C>T (p.Gly1245=)

Gene: PLXNA2 (plexin A2; minus strand). Cytogenetic location: 1q32.2.
Variant type: single nucleotide variant.
Coding change: c.3735C>T on transcript NM_025179.4 (MANE Select); coding-DNA position 3735, C replaced by T.
Protein change: p.Gly1245=; no amino-acid change (glycine 1245 retained).
Molecular consequence: synonymous variant.
Genome position (GRCh38, 1-based): chr1:208,044,647, G>A on the plus strand (C>T on the coding strand, the complement: PLXNA2 is on the minus strand). VCF-style: chr1-208044647-G-A. GRCh37 (hg19) VCF-style: chr1-208217992-G-A.
Identifiers: ClinVar variation 3047150 (VCV003047150.3), dbSNP rs201569933, ClinGen allele CA1373082.

ClinVar aggregate classification (germline): Likely benign. Review status: criteria provided, single submitter (1 of 4 stars). 2 submissions from 2 submitters: Likely benign (1). 1 of the submissions does not count toward it.

Conditions:
PLXNA2-related disorder. Also called: PLXNA2-related condition.

Allele frequency attached by ClinVar (database versions not stated): ESP Exome Variant Server 0.00008; TOPMed 0.00009; gnomAD 0.00010; ExAC 0.00018; 1000 Genomes Project 0.00060; 1000 Genomes Project 30x 0.00062.
gnomAD v4.1: 342 of 1,614,070 alleles (0.021%); highest among the groups gnomAD compares: South Asian, 0.14%; 3 homozygotes.

Submissions (2):

Breakthrough Genomics
Classification: Likely benign. Review status: criteria provided, single submitter. Criteria: ACMG Guidelines, 2015. Collection method: not provided. Allele origin: germline. Inheritance: Unknown mechanism. Affected: yes.

PreventionGenetics, part of Exact Sciences
Classification: Likely benign for PLXNA2-related condition. Last evaluated: 2021-11-15. Review status: no assertion criteria provided. Collection method: clinical testing. Allele origin: germline. Not counted in ClinVar's aggregate classification.
Comment: This variant is classified as likely benign based on ACMG/AMP sequence variant interpretation guidelines (Richards et al. 2015 PMID: 25741868, with internal and published modifications).